The following is an entry in ClinVar:

ClinVar aggregate classification (germline): Pathogenic/Likely pathogenic. Review status: criteria provided, multiple submitters, no conflicts (2 of 4 stars). 6 submissions from 6 submitters: Pathogenic (3); Likely pathogenic (3). Last evaluated 2026-02-02.

Conditions:
ERCC2-related disorder. Also called: ERCC2-related conditions; ERCC2-related condition; ERCC2-related disorders. Identifiers: MedGen CN239291.
Xeroderma pigmentosum, group D (XPD). Also called: ERCC2-Related Xeroderma Pigmentosum; XERODERMA PIGMENTOSUM, COMPLEMENTATION GROUP D; XERODERMA PIGMENTOSUM IV; XP, GROUP D; XP, GROUP H. Identifiers: MedGen C0268138, MONDO:0010212, OMIM 278730.
Trichothiodystrophy 1, photosensitive (TTD1). Also called: TAY SYNDROME; TRICHOTHIODYSTROPHY WITH CONGENITAL ICHTHYOSIS; PIBIDS SYNDROME. Identifiers: Orphanet 33364, MedGen C1866504, MONDO:0011125, OMIM 601675.
Cerebrooculofacioskeletal syndrome 2 (COFS2). Identifiers: MedGen C1853102, MONDO:0012553, OMIM 610756.

Allele frequency attached by ClinVar (database versions not stated): gnomAD 0.00004 and 0.00005; gnomAD exomes 0.00004 and 0.00001; ESP Exome Variant Server 0.00008; ExAC 0.00002; TOPMed 0.00002; 1000 Genomes Project 30x 0.00016; 1000 Genomes Project 0.00020.

Submissions (6):

Dasa
Classification: Likely pathogenic. Last evaluated: 2026-02-02. Review status: criteria provided, single submitter. Criteria: DASA Assertion Criteria. Collection method: clinical testing. Allele origin: germline.
Comment: NM_000400.4(ERCC2):c.466C>T (p.Arg156*) is a nonsense variant in ERCC2 predicted to introduce a premature termination codon and is predicted to result in an absent or altered protein product. Loss of function is an established disease mechanism for ERCC2-associated disorders. Also, this variant is rare in population databases. Based on the currently available evidence, this variant is classified as likely pathogenic.

Labcorp Genetics (formerly Invitae), Labcorp
Classification: Pathogenic. Last evaluated: 2025-07-15. Review status: criteria provided, single submitter. Criteria: Invitae Variant Classification Sherloc (09022015). Collection method: clinical testing. Allele origin: germline.
Comment: This sequence change creates a premature translational stop signal (p.Arg156*) in the ERCC2 gene. It is expected to result in an absent or disrupted protein product. Loss-of-function variants in ERCC2 are known to be pathogenic (PMID: 9238033, 11335038, 19085937, 19934020). This variant is present in population databases (rs151235136, gnomAD 0.004%). This premature translational stop signal has been observed in individual(s) with early onset bilateral cataracts (PMID: 38216115). ClinVar contains an entry for this variant (Variation ID: 634432). Algorithms developed to predict the effect of sequence changes on RNA splicing suggest that this variant may disrupt the consensus splice site. For these reasons, this variant has been classified as Pathogenic.

Baylor Genetics
Classification: Likely pathogenic for Cerebrooculofacioskeletal syndrome 2. Last evaluated: 2024-03-20. Review status: criteria provided, single submitter. Criteria: ACMG Guidelines, 2015. Collection method: clinical testing. Allele origin: unknown.

Fulgent Genetics
Classification: Likely pathogenic for Xeroderma pigmentosum, group D; Trichothiodystrophy 1, photosensitive; Cerebrooculofacioskeletal syndrome 2. Last evaluated: 2024-01-02. Review status: criteria provided, single submitter. Criteria: ACMG Guidelines, 2015. Collection method: clinical testing. Allele origin: germline.

Genetics and Genomic Medicine Centre, NeuroGen Healthcare, NeuroGen Healthcare
Classification: Pathogenic for Xeroderma pigmentosum, group D. Last evaluated: 2021-11-20. Review status: criteria provided, single submitter. Criteria: Submitter's publication. Collection method: clinical testing. Allele origin: unknown. Affected: no.

Genomic Research Center, Shahid Beheshti University of Medical Sciences
Classification: Pathogenic for ERCC2-Related Disorders. Last evaluated: 2019-01-01. Review status: criteria provided, single submitter. Criteria: ACMG Guidelines, 2015. Collection method: clinical testing. Allele origin: unknown. Affected: yes. Observed: 1 variant allele.

Literature cited by the submitters: PubMed 9238033 (cited by Labcorp Genetics (formerly Invitae), Labcorp); PubMed 11335038 (cited by Labcorp Genetics (formerly Invitae), Labcorp); PubMed 19085937 (cited by Labcorp Genetics (formerly Invitae), Labcorp); PubMed 19934020 (cited by Labcorp Genetics (formerly Invitae), Labcorp); PubMed 38216115 (cited by Labcorp Genetics (formerly Invitae), Labcorp).

NM_000400.4(ERCC2):c.466C>T (p.Arg156Ter)

Gene: ERCC2 (ERCC excision repair 2, TFIIH core complex helicase subunit; minus strand). Cytogenetic location: 19q13.32.
Variant type: single nucleotide variant.
Coding change: c.466C>T on transcript NM_000400.4 (MANE Select); coding-DNA position 466, C replaced by T.
Protein change: p.Arg156Ter; replaces arginine 156 with a stop codon.
Molecular consequence: nonsense.
Genome position (GRCh38, 1-based): chr19:45,365,053, G>A on the plus strand (C>T on the coding strand, the complement: ERCC2 is on the minus strand). VCF-style: chr19-45365053-G-A. GRCh37 (hg19) VCF-style: chr19-45868311-G-A.
Other names: c.394C>T, p.Arg132Ter (NM_001130867.2); short protein forms R156*, R132*.
Identifiers: ClinVar variation 634432 (VCV000634432.13), dbSNP rs151235136, ClinGen allele CA9513783.